The following is an entry in ClinVar:

NM_024408.4(NOTCH2):c.6640G>A (p.Ala2214Thr)

Gene: NOTCH2 (notch receptor 2; minus strand). Cytogenetic location: 1p12.
Variant type: single nucleotide variant.
Coding change: c.6640G>A on transcript NM_024408.4 (MANE Select); coding-DNA position 6640, G replaced by A.
Protein change: p.Ala2214Thr; replaces alanine 2214 with threonine.
Molecular consequence: missense variant.
Genome position (GRCh38, 1-based): chr1:119,916,082, C>T on the plus strand (G>A on the coding strand, the complement: NOTCH2 is on the minus strand). VCF-style: chr1-119916082-C-T. GRCh37 (hg19) VCF-style: chr1-120458705-C-T.
Other names: short protein forms A2214T.
Identifiers: ClinVar variation 2048111 (VCV002048111.4), dbSNP rs2101143493, ClinGen allele CA341876967.

ClinVar aggregate classification (germline): Uncertain significance (1 of 4 stars; one submission).

Conditions:
Hajdu-Cheney syndrome (HJCYS). Also called: ACROOSTEOLYSIS WITH OSTEOPOROSIS AND CHANGES IN SKULL AND MANDIBLE; SERPENTINE FIBULA-POLYCYSTIC KIDNEY SYNDROME; Acroosteolysis dominant type. Identifiers: Orphanet 955, MedGen C0917715, MONDO:0007057, OMIM 102500.

Allele frequency attached by ClinVar (database versions not stated): gnomAD exomes below 0.00001.
gnomAD v4.1: 1 of 1,613,936 alleles (0.000062%); highest among the groups gnomAD compares: East Asian, 0.0022%; no homozygotes.

Submission:

Labcorp Genetics (formerly Invitae), Labcorp
Classification: Uncertain significance for Hajdu-Cheney syndrome. Last evaluated: 2022-08-16. Review status: criteria provided, single submitter. Criteria: Invitae Variant Classification Sherloc (09022015). Collection method: clinical testing. Allele origin: germline.
Comment: In summary, the available evidence is currently insufficient to determine the role of this variant in disease. Therefore, it has been classified as a Variant of Uncertain Significance. Advanced modeling of protein sequence and biophysical properties (such as structural, functional, and spatial information, amino acid conservation, physicochemical variation, residue mobility, and thermodynamic stability) performed at Invitae indicates that this missense variant is not expected to disrupt NOTCH2 protein function. This variant has not been reported in the literature in individuals affected with NOTCH2-related conditions. This variant is not present in population databases (gnomAD no frequency). This sequence change replaces alanine, which is neutral and non-polar, with threonine, which is neutral and polar, at codon 2214 of the NOTCH2 protein (p.Ala2214Thr).